The following is an entry in ClinVar:

NM_003036.4(SKI):c.2002G>A (p.Glu668Lys)

Gene: SKI (SKI proto-oncogene; plus strand). Cytogenetic location: 1p36.32.
Variant type: single nucleotide variant.
Coding change: c.2002G>A on transcript NM_003036.4 (MANE Select); coding-DNA position 2002, G replaced by A.
Protein change: p.Glu668Lys; replaces glutamic acid 668 with lysine.
Molecular consequence: missense variant.
Genome position (GRCh38, 1-based): chr1:2,306,580, G>A. VCF-style: chr1-2306580-G-A. GRCh37 (hg19) VCF-style: chr1-2238019-G-A.
Other names: short protein forms E668K.
Identifiers: ClinVar variation 3061185 (VCV003061185.2), dbSNP rs2521521151, ClinGen allele CA337959483.
Genomic context (GRCh38, chr1:2,306,580, plus strand): 5'-CGTCGGGCCGGGGCAGGGCAGCGAGCAGGCGCCGCTGACCACTCGGCTCCCTTTCAGATC[G>A]AAGACCTGCAGGTGAAGCTGCAGCACGCGGAGGCGGACCGGGAGCAGCTGCGGGCCGACC-3'
Protein context (NP_003027.1, residues 658-678): RLRAKYSAQI[Glu668Lys]DLQVKLQHAE

ClinVar aggregate classification (germline): Uncertain significance (0 of 4 stars; one submission).

Conditions:
SKI-related disorder. Also called: SKI-related condition.

Submission:

PreventionGenetics, part of Exact Sciences
Classification: Uncertain significance for SKI-related condition. Last evaluated: 2024-02-21. Review status: no assertion criteria provided. Collection method: clinical testing. Allele origin: germline.
Comment: The SKI c.2002G>A variant is predicted to result in the amino acid substitution p.Glu668Lys. To our knowledge, this variant has not been reported in the literature or in a large population database, indicating this variant is rare. At this time, the clinical significance of this variant is uncertain due to the absence of conclusive functional and genetic evidence.